The following is an entry in ClinVar:

ClinVar aggregate classification (germline): Pathogenic (1 of 4 stars; one submission).

Conditions:
Adenylosuccinate lyase deficiency (ADSLD). Also called: ADSL DEFICIENCY. Identifiers: Orphanet 46, MedGen C0268126, MONDO:0007068, OMIM 103050.

Submission:

Labcorp Genetics (formerly Invitae), Labcorp
Classification: Pathogenic for Adenylosuccinate lyase deficiency. Last evaluated: 2023-10-16. Review status: criteria provided, single submitter. Criteria: Invitae Variant Classification Sherloc (09022015). Collection method: clinical testing. Allele origin: unknown.
Comment: This variant is a gross deletion of the genomic region encompassing exon(s) 5-13 of the ADSL gene, which includes the termination codon. This deletion extends beyond the assayed region for this gene and therefore may encompass additional genes. While this deletion is not anticipated to lead to nonsense mediated decay, it is expected to alter mRNA translation or result in a truncated protein product. This variant has not been reported in the literature in individuals affected with ADSL-related conditions. This variant disrupts a region of the ADSL protein in which other variant(s) (p.Arg426His) have been determined to be pathogenic (PMID: 10090474, 18524658, 27504266). This suggests that this is a clinically significant region of the protein, and that variants that disrupt it are likely to be disease-causing. For these reasons, this variant has been classified as Pathogenic.

Literature cited by the submitters: PubMed 10090474; PubMed 18524658; PubMed 27504266.

NC_000022.10:g.(?_40754848)_(40762526_?)del

Gene: ADSL (adenylosuccinate lyase; plus strand). Cytogenetic location: 22q13.1.
Variant type: Deletion.
Identifiers: ClinVar variation 3247238 (VCV003247238.1).